The following is an entry in ClinVar:

NM_001963.6(EGF):c.2336C>T (p.Thr779Met)

Genes: EGF (epidermal growth factor; plus strand), LOC126807134 (BRD4-independent group 4 enhancer GRCh37_chr4:110900995-110902194; plus strand). Cytogenetic location: 4q25.
Variant type: single nucleotide variant.
Coding change: c.2336C>T on transcript NM_001963.6 (MANE Select); coding-DNA position 2336, C replaced by T.
Protein change: p.Thr779Met; replaces threonine 779 with methionine.
Molecular consequence: missense variant.
Genome position (GRCh38, 1-based): chr4:109,980,940, C>T. VCF-style: chr4-109980940-C-T. GRCh37 (hg19) VCF-style: chr4-110902096-C-T.
Other names: c.2336C>T, p.Thr779Met (NM_001178130.3); c.2210C>T, p.Thr737Met (NM_001178131.3, NM_001357021.2); short protein forms T737M, T779M.
Identifiers: ClinVar variation 3019425 (VCV003019425.3), dbSNP rs752806358, ClinGen allele CA3043935.

ClinVar aggregate classification (germline): Uncertain significance (1 of 4 stars; one submission).

Allele frequency attached by ClinVar (database versions not stated): TOPMed 0.00003; ExAC 0.00002.
gnomAD v4.1: 20 of 1,614,040 alleles (0.0012%); highest among the groups gnomAD compares: East Asian, 0.0022%; no homozygotes.

Submission:

Labcorp Genetics (formerly Invitae), Labcorp
Classification: Uncertain significance. Last evaluated: 2025-11-19. Review status: criteria provided, single submitter. Criteria: Invitae Variant Classification Sherloc (09022015). Collection method: clinical testing. Allele origin: germline.
Comment: This sequence change replaces threonine, which is neutral and polar, with methionine, which is neutral and non-polar, at codon 779 of the EGF protein (p.Thr779Met). This variant is present in population databases (rs752806358, gnomAD 0.006%). This variant has not been reported in the literature in individuals affected with EGF-related conditions. ClinVar contains an entry for this variant (Variation ID: 3019425). An algorithm developed to predict the effect of missense changes on protein structure and function outputs the following: PolyPhen-2: "Benign". The methionine amino acid residue is found in multiple mammalian species, which suggests that this missense change does not adversely affect protein function. In summary, the available evidence is currently insufficient to determine the role of this variant in disease. Therefore, it has been classified as a Variant of Uncertain Significance.